The following is an entry in ClinVar:

ClinVar aggregate classification (germline): Uncertain significance (1 of 4 stars; one submission).

gnomAD v4.1: 6 of 1,613,938 alleles (0.00037%); highest among the groups gnomAD compares: Non-Finnish European, 0.00051%; no homozygotes.

Submission:

Labcorp Genetics (formerly Invitae), Labcorp
Classification: Uncertain significance. Last evaluated: 2024-10-22. Review status: criteria provided, single submitter. Criteria: Invitae Variant Classification Sherloc (09022015). Collection method: clinical testing. Allele origin: germline.
Comment: This sequence change falls in intron 5 of the C1S gene. It does not directly change the encoded amino acid sequence of the C1S protein. It affects a nucleotide within the consensus splice site. This variant is not present in population databases (gnomAD no frequency). This variant has not been reported in the literature in individuals affected with C1S-related conditions. Variants that disrupt the consensus splice site are a relatively common cause of aberrant splicing (PMID: 17576681, 9536098). Algorithms developed to predict the effect of sequence changes on RNA splicing suggest that this variant may create or strengthen a splice site. In summary, the available evidence is currently insufficient to determine the role of this variant in disease. Therefore, it has been classified as a Variant of Uncertain Significance.

Literature cited by the submitters: PubMed 17576681; PubMed 9536098.

NM_001734.5(C1S):c.517+6C>G

Gene: C1S (complement C1s; plus strand). Cytogenetic location: 12p13.31.
Variant type: single nucleotide variant.
Coding change: c.517+6C>G on transcript NM_001734.5 (MANE Select); 6 bases into the intron after coding-DNA position 517, C replaced by G.
Molecular consequence: intron variant.
Genome position (GRCh38, 1-based): chr12:7,064,398, C>G. VCF-style: chr12-7064398-C-G. GRCh37 (hg19) VCF-style: chr12-7171702-C-G.
Other names: c.517+6C>G (NM_201442.4); c.16+6C>G (NM_001346850.2).
Identifiers: ClinVar variation 3612580 (VCV003612580.2).